The following is an entry in ClinVar:

NM_001143831.3(GRM5):c.2984C>T (p.Ala995Val)

Genes: GRM5 (glutamate metabotropic receptor 5; minus strand), GRM5-AS1 (GRM5 antisense RNA 1; plus strand). Cytogenetic location: 11q14.2.
Variant type: single nucleotide variant.
Coding change: c.2984C>T on transcript NM_001143831.3 (MANE Select); coding-DNA position 2984, C replaced by T.
Protein change: p.Ala995Val; replaces alanine 995 with valine.
Molecular consequence: missense variant.
Genome position (GRCh38, 1-based): chr11:88,509,247, G>A on the plus strand (C>T on the coding strand, the complement: GRM5 is on the minus strand). VCF-style: chr11-88509247-G-A. GRCh37 (hg19) VCF-style: chr11-88242415-G-A.
Other names: c.2888C>T, p.Ala963Val (NM_000842.5, NM_001384268.1); short protein forms A963V, A995V.
Identifiers: ClinVar variation 4851336 (VCV004851336.1).

ClinVar aggregate classification (germline): Likely benign (1 of 4 stars; one submission).

Conditions:
Autism spectrum disorder. Also called: Autism spectrum disorders. Identifiers: MedGen C1510586, MeSH D000067877, MONDO:0005258.

gnomAD v4.1: 4 of 1,491,846 alleles (0.00027%); highest among the groups gnomAD compares: South Asian, 0.0026%; no homozygotes.

Submission:

Centre for Medical Genetics,  Mumbai
Classification: Likely benign for Autism spectrum disorder. Last evaluated: 2026-02-07. Review status: criteria provided, single submitter. Criteria: ACMG Guidelines, 2015. Collection method: provider interpretation. Allele origin: germline. Affected: no. Observed: 1 variant allele, 1 heterozygote.
Comment: The variant satisfies PM2 criteria - extremely low frequency in gnomAD population databases. The variant satisfies PP2 criteria - missense variant in a gene with low rate of benign missense mutations and for which missense mutation is a common mechanism of a disease. However, the variant satisfies BS2 criteria - present in heterozygous state in an individual that clinically does not have autism spectrum disorder.

Literature cited by the submitters: PMC PMC8238894.